The following is an entry in ClinVar:

ClinVar aggregate classification (germline): Uncertain significance (1 of 4 stars; one submission).

Conditions:
Glycine encephalopathy. Also called: Nonketotic hyperglycinemia; Non-ketotic hyperglycinemia. Identifiers: Orphanet 407, MedGen C0751748, MONDO:0011612, HP:0008288.

Submission:

Labcorp Genetics (formerly Invitae), Labcorp
Classification: Uncertain significance for Glycine encephalopathy. Last evaluated: 2022-08-20. Review status: criteria provided, single submitter. Criteria: Invitae Variant Classification Sherloc (09022015). Collection method: clinical testing. Allele origin: germline.
Comment: In summary, the available evidence is currently insufficient to determine the role of this variant in disease. Therefore, it has been classified as a Variant of Uncertain Significance. Advanced modeling of protein sequence and biophysical properties (such as structural, functional, and spatial information, amino acid conservation, physicochemical variation, residue mobility, and thermodynamic stability) performed at Invitae indicates that this missense variant is not expected to disrupt AMT protein function. This variant has not been reported in the literature in individuals affected with AMT-related conditions. This variant is not present in population databases (gnomAD no frequency). This sequence change replaces lysine, which is basic and polar, with threonine, which is neutral and polar, at codon 358 of the AMT protein (p.Lys358Thr).

NM_000481.4(AMT):c.1073A>C (p.Lys358Thr)

Gene: AMT (aminomethyltransferase; minus strand). Cytogenetic location: 3p21.31.
Variant type: single nucleotide variant.
Coding change: c.1073A>C on transcript NM_000481.4 (MANE Select); coding-DNA position 1073, A replaced by C.
Protein change: p.Lys358Thr; replaces lysine 358 with threonine.
Molecular consequence: missense variant. On other transcripts: non-coding transcript variant (1).
Genome position (GRCh38, 1-based): chr3:49,417,679, T>G on the plus strand (A>C on the coding strand, the complement: AMT is on the minus strand). VCF-style: chr3-49417679-T-G. GRCh37 (hg19) VCF-style: chr3-49455112-T-G.
Other names: c.941A>C, p.Lys314Thr (NM_001164710.2); c.905A>C, p.Lys302Thr (NM_001164711.2); c.1073A>C, p.Lys358Thr (NM_001164712.2); short protein forms K314T, K302T, K358T.
Identifiers: ClinVar variation 1967724 (VCV001967724.3), dbSNP rs2471145413, ClinGen allele CA352789044.
Genomic context (GRCh38, chr3:49,417,679, plus strand): 5'-ACCAGCAGCATTGTCCCTGGACGACTGTACTCGCAGGGCACATAACCCATCGCCACATTC[T>G]TCTTCAGAGAGGGGGAGGGGCAGCCACTAGTCACAGTACCTGTCAAGCAAGCATAAGCCA-3'
Protein context (NP_000472.2, residues 348-368): TSGCPSPSLK[Lys358Thr]NVAMGYVPCE